The following is an entry in ClinVar:

ClinVar aggregate classification (germline): Pathogenic/Likely pathogenic. Review status: criteria provided, multiple submitters, no conflicts (2 of 4 stars). 21 submissions from 21 submitters: Pathogenic (19); Likely pathogenic (1). 1 of the submissions does not count toward it. Last evaluated 2026-09-08.

Conditions:
Carnitine deficiency. Identifiers: MedGen C1142132.
SLC22A5-related disorder. Also called: SLC22A5-related condition.
Renal carnitine transport defect (CDSP). Also called: CARNITINE DEFICIENCY, SYSTEMIC, DUE TO DEFECT IN RENAL REABSORPTION OF CARNITINE; CARNITINE TRANSPORTER, PLASMA-MEMBRANE, DEFICIENCY OF; CARNITINE UPTAKE DEFECT; Primary carnitine deficiency; Carnitine transporter deficiency; Systemic primary carnitine deficiency disease. Identifiers: Orphanet 158, MedGen C0342788, MONDO:0008919, OMIM 212140.

Allele frequency attached by ClinVar (database versions not stated): gnomAD exomes 0.00017 and 0.00007; 1000 Genomes Project 30x 0.00031; gnomAD 0.00009; TOPMed 0.00015; ExAC 0.00016; 1000 Genomes Project 0.00040.
gnomAD v4.1: 112 of 1,614,190 alleles (0.0069%); highest among the groups gnomAD compares: East Asian, 0.22%; no homozygotes.

Submissions 1 to 8 of 21:

PreventionGenetics, part of Exact Sciences
Classification: Pathogenic for SLC22A5-related condition. Last evaluated: 2026-09-08. Review status: criteria provided, single submitter. Criteria: ACMG Guidelines, 2015. Collection method: clinical testing. Allele origin: germline.
Comment: The SLC22A5 c.1400C>G variant is predicted to result in the amino acid substitution p.Ser467Cys. This variant has been reported at a frequency of ~0.23% in individuals of East Asian origin in the gnomAD database. This variant has been reported in the heterozygous or homozygous state in children or mothers with carnitine update deficiency, many of which were identified based on newborn screening results (Koizumi et al. 1999. PubMed ID: 10545605; Lee et al. 2010. PubMed ID: 20074989; Li et al. 2010. PubMed ID: 20574985; Yoon et al. 2012. PubMed ID: 23090741; Hitomi et al. 2015. PubMed ID: 25846890; Frigeni et al. 2017. PubMed ID: 28841266). It should be noted that many of these individuals were clinically asymptomatic at the time of testing. In functional studies, the p.Ser467Cys substitution was reported to reduce carnitine uptake to ~10-16% of control (Koizumi et al. 1999. PubMed ID: 10545605; Ohashi et al. 2002. PubMed ID: 12183691; Frigeni et al. 2017. PubMed ID: 28841266). Based on these observations, we classify the c.1400C>G (p.Ser467Cys) variant as pathogenic.

Victorian Clinical Genetics Services, Murdoch Childrens Research Institute
Classification: Pathogenic for Renal carnitine transport defect. Last evaluated: 2026-04-29. Review status: criteria provided, single submitter. Criteria: ACMG Guidelines, 2015. Collection method: clinical testing. Allele origin: germline.
Comment: This variant is classified as Pathogenic. Evidence in support of pathogenic classification: Variant is present in gnomAD <0.01 for a recessive condition (v4: 112 heterozygote(s), 0 homozygote(s)); This variant has strong previous evidence of pathogenicity in unrelated individuals. This variant has been classified as pathogenic/likely pathogenic by clinical laboratories in ClinVar; Missense variant predicted to be damaging by in silico tool(s) or highly conserved with a major amino acid change. Additional information: Variant is predicted to result in a missense amino acid change from Ser to Cys; This variant is homozygous; This gene is associated with autosomal recessive disease; Variant is located in the annotated sugar (and other) transporter domain (DECIPHER); Loss of function is a known mechanism of disease in this gene and is associated with systemic primary carnitine deficiency (MIM#212140).

Labcorp Genetics (formerly Invitae), Labcorp
Classification: Pathogenic for Renal carnitine transport defect. Last evaluated: 2026-02-01. Review status: criteria provided, single submitter. Criteria: Invitae Variant Classification Sherloc (09022015). Collection method: clinical testing. Allele origin: germline.
Comment: This sequence change replaces serine, which is neutral and polar, with cysteine, which is neutral and slightly polar, at codon 467 of the SLC22A5 protein (p.Ser467Cys). This variant is present in population databases (rs60376624, gnomAD 0.2%). This missense change has been observed in individuals with SLC22A5-related conditions (PMID: 10545605, 20074989, 20574985, 21922592, 23090741). ClinVar contains an entry for this variant (Variation ID: 25423). Invitae Evidence Modeling of protein sequence and biophysical properties (such as structural, functional, and spatial information, amino acid conservation, physicochemical variation, residue mobility, and thermodynamic stability) has been performed for this missense variant. However, the output from this modeling did not meet the statistical confidence thresholds required to predict the impact of this variant on SLC22A5 protein function. Experimental studies have shown that this missense change affects SLC22A5 function (PMID: 10545605, 12183691). For these reasons, this variant has been classified as Pathogenic.

Natera, Inc.
Classification: Pathogenic for Carnitine deficiency. Last evaluated: 2025-07-28. Review status: criteria provided, single submitter. Criteria: Natera Variant Classification Schema (03/2026). Collection method: clinical testing. Allele origin: germline.
Comment: The c.1400C>G variant in SLC22A5 is a missense variant predicted to cause substitution of serine to cysteine at amino acid 467. This variant is rare in the general population with a frequency below the threshold expected for the associated phenotype(s). This variant has been observed in one or more individuals affected with the associated recessive disease, as either homozygous or compound heterozygous with a second variant (PMID: 23090741, 28841266). Functional studies show that this variant may disrupt protein function (PMID: 28841266). Computational prediction algorithms indicate this variant is likely to affect gene or protein function. Given the available evidence, this variant is classified as Pathogenic.

Department of Genetics of Metabolic Diseases, Institute of Medical & Molecular Genetics, Hospital Universitario Hospital La Paz
Classification: Pathogenic for Renal carnitine transport defect. Last evaluated: 2024-09-01. Review status: criteria provided, single submitter. Criteria: ACMG Guidelines, 2015. Collection method: clinical testing. Allele origin: germline. Inheritance: Autosomal recessive inheritance. Affected: yes.
Comment: The variant NM_003060.3:c.1400C>G p.(Ser467Cys) in SLC225A5 is present at low frequency in gnomAD (0.01697%) and computational prediction tools support a deleterious effect on the gene. Functional studies in CHO cells confirm this variant reduces significatively OCTN2´s activity (PMID: 28841266). This variant has been observed in individuals with abnormal levels of free carnitine consistent with primary carnitine deficiency, carrying this variant in homozygous and compound heterozygous form (PMID: 21922592, 28841266, 30904546, Hidalgo Mayoral I et al., in press)

Myriad Genetics, Inc.
Classification: Pathogenic for Renal carnitine transport defect. Last evaluated: 2024-07-25. Review status: criteria provided, single submitter. Criteria: Myriad Autosomal Dominant, Autosomal Recessive and X-Linked Classification Criteria (2023). Collection method: clinical testing. Allele origin: unknown.
Comment: NM_003060.3(SLC22A5):c.1400C>G(S467C) is a missense variant classified as pathogenic in the context of primary carnitine deficiency. S467C has been observed in cases with relevant disease (PMID: 10545605, 23090741, 20074989, 28841266, 30904546, 38187300). Relevant functional assessments of this variant are available in the literature (PMID: 12183691, 10545605). S467C has been observed in referenced population frequency databases. In summary, NM_003060.3(SLC22A5):c.1400C>G(S467C) is a missense variant that has been observed more frequently in cases with the relevant disease than in healthy populations. Please note: this variant was assessed in the context of healthy population screening.

Fulgent Genetics
Classification: Pathogenic for Renal carnitine transport defect. Last evaluated: 2024-04-03. Review status: criteria provided, single submitter. Criteria: ACMG Guidelines, 2015. Collection method: clinical testing. Allele origin: germline.

3billion
Classification: Pathogenic for Renal carnitine transport defect. Last evaluated: 2024-02-05. Review status: criteria provided, single submitter. Criteria: ACMG Guidelines, 2015. Collection method: clinical testing. Allele origin: germline. Affected: yes.
Comment: The variant is observed at an extremely low frequency in the gnomAD v2.1.1 dataset (total allele frequency: 0.017%). Predicted Consequence/Location: Missense variant Functional studies provide strong evidence of the variant having a damaging effect on the gene or gene product (PMID: 10545605, 12183691). In silico tool predictions suggest damaging effect of the variant on gene or gene product [REVEL: 0.76 (>=0.6, sensitivity 0.68 and specificity 0.92); 3Cnet: 0.85 (>=0.6, sensitivity 0.72 and precision 0.9)]. Same nucleotide change resulting in same amino acid change has been previously reported as pathogenic/likely pathogenic with strong evidence (ClinVar ID: VCV000025423 /PMID: 10545605). A different missense change at the same codon (p.Ser467Pro) has been reported to be associated with SLC22A5 related disorder (ClinVar ID: VCV001947731). Therefore, this variant is classified as Pathogenic according to the recommendation of ACMG/AMP guideline.

NM_003060.4(SLC22A5):c.1400C>G (p.Ser467Cys)

Gene: SLC22A5 (solute carrier family 22 member 5; plus strand). Cytogenetic location: 5q31.1.
Variant type: single nucleotide variant.
Coding change: c.1400C>G on transcript NM_003060.4 (MANE Select); coding-DNA position 1400, C replaced by G.
Protein change: p.Ser467Cys; replaces serine 467 with cysteine.
Molecular consequence: missense variant.
Genome position (GRCh38, 1-based): chr5:132,392,565, C>G. VCF-style: chr5-132392565-C-G. GRCh37 (hg19) VCF-style: chr5-131728257-C-G.
Other names: c.1472C>G, p.Ser491Cys (NM_001308122.2); short protein forms S491C.
Identifiers: ClinVar variation 25423 (VCV000025423.85), dbSNP rs60376624, ClinGen allele CA342681.